The following is an entry in ClinVar:

NM_001290060.2(SEMA3B):c.25G>A (p.Val9Met)

Gene: SEMA3B (semaphorin 3B; plus strand). Cytogenetic location: 3p21.31.
Variant type: single nucleotide variant.
Coding change: c.25G>A on transcript NM_001290060.2 (MANE Select); coding-DNA position 25, G replaced by A.
Protein change: p.Val9Met; replaces valine 9 with methionine.
Molecular consequence: missense variant.
Genome position (GRCh38, 1-based): chr3:50,269,265, G>A. VCF-style: chr3-50269265-G-A. GRCh37 (hg19) VCF-style: chr3-50306697-G-A.
Other names: c.25G>A, p.Val9Met (NM_001005914.3, NM_001290061.1, NM_004636.4); short protein forms V9M.
Identifiers: ClinVar variation 2357294 (VCV002357294.6), dbSNP rs782236490, ClinGen allele CA2413642.

ClinVar aggregate classification (germline): Conflicting classifications of pathogenicity. Review status: criteria provided, conflicting classifications (1 of 4 stars). 2 submissions from 2 submitters: Uncertain significance (1); Likely benign (1). Last evaluated 2026-05-21.

Conditions:
SEMA3B-related disorder. Also called: SEMA3B-related condition.

Allele frequency attached by ClinVar (database versions not stated): gnomAD exomes 0.00006; gnomAD 0.00012; 1000 Genomes Project 30x 0.00016; TOPMed 0.00017; ExAC 0.00038.
gnomAD v4.1: 108 of 1,537,514 alleles (0.007%); highest among the groups gnomAD compares: Middle Eastern, 0.068%; 1 homozygote.

Submissions (2):

PreventionGenetics, part of Exact Sciences
Classification: Uncertain significance for SEMA3B-related condition. Last evaluated: 2026-05-21. Review status: criteria provided, single submitter. Criteria: ACMG Guidelines, 2015. Collection method: clinical testing. Allele origin: germline.
Comment: The SEMA3B c.25G>A variant is predicted to result in the amino acid substitution p.Val9Met. To our knowledge, this variant has not been reported in the literature. This variant is reported in 0.049% of alleles in individuals of East Asian descent in gnomAD, including one homozygous individual. Although we suspect that this variant may be benign, at this time, the clinical significance of this variant is uncertain due to the absence of conclusive functional and genetic evidence.

Ambry Genetics
Classification: Likely benign. Last evaluated: 2022-06-21. Review status: criteria provided, single submitter. Criteria: Ambry Variant Classification Scheme 2023. Collection method: clinical testing. Allele origin: germline.